The following is an entry in ClinVar:

NM_203447.4(DOCK8):c.3339dup (p.Met1114fs)

Gene: DOCK8 (dedicator of cytokinesis 8; plus strand). Cytogenetic location: 9p24.3.
Variant type: Duplication.
Coding change: c.3339dup on transcript NM_203447.4 (MANE Select); coding-DNA position 3339, one base duplicated (T; older notation c.3339dupT).
Protein change: p.Met1114fs; shifts the reading frame from methionine 1114.
Molecular consequence: frameshift variant.
Genome position (GRCh38, 1-based): chr9:405,022, T duplicated; the last of 8 consecutive T bases (chr9:405,015-405,022); duplicating any one gives the same sequence. VCF-style (leftmost placement, unchanged base first): chr9-405014-C-CT. GRCh37 (hg19) VCF-style: chr9-405014-C-CT.
Other names: c.3039dup, p.Met1014fs (NM_001190458.2); c.3135dup, p.Met1046fs (NM_001193536.2); short protein forms M1014fs, M1114fs, M1046fs.
Identifiers: ClinVar variation 4763818 (VCV004763818.3).

ClinVar aggregate classification (germline): Pathogenic/Likely pathogenic. Review status: criteria provided, multiple submitters, no conflicts (2 of 4 stars). 2 submissions from 2 submitters: Pathogenic (1); Likely pathogenic (1). Last evaluated 2025-08-29.

Conditions:
Combined immunodeficiency due to DOCK8 deficiency (HIES2). Also called: HIES autosomal recessive; Hyper-IgE recurrent infection syndrome, autosomal recessive; HYPER-IgE RECURRENT INFECTION SYNDROME 2, AUTOSOMAL RECESSIVE; HYPER-IgE SYNDROME 2, AUTOSOMAL RECESSIVE, WITH RECURRENT INFECTIONS; DOCK8 Deficiency. Identifiers: Orphanet 217390, MedGen C4722305, MONDO:0009478, OMIM 243700.

Submissions (2):

Labcorp Genetics (formerly Invitae), Labcorp
Classification: Pathogenic for Combined immunodeficiency due to DOCK8 deficiency. Last evaluated: 2025-08-29. Review status: criteria provided, single submitter. Criteria: Invitae Variant Classification Sherloc (09022015). Collection method: clinical testing. Allele origin: germline.
Comment: This sequence change creates a premature translational stop signal (p.Met1114Tyrfs*4) in the DOCK8 gene. It is expected to result in an absent or disrupted protein product. Loss-of-function variants in DOCK8 are known to be pathogenic (PMID: 14722525, 19776401). This variant is not present in population databases (gnomAD no frequency). This premature translational stop signal has been observed in individual(s) with clinical features of an inborn error of immunity (PMID: 33481921). Algorithms developed to predict the effect of sequence changes on RNA splicing suggest that this variant may disrupt the consensus splice site. For these reasons, this variant has been classified as Pathogenic.

Juno Genomics, Hangzhou Juno Genomics, Inc
Classification: Likely pathogenic for Combined immunodeficiency due to DOCK8 deficiency. Review status: criteria provided, single submitter. Criteria: ACMG Guidelines, 2015. Collection method: clinical testing. Allele origin: germline.
Comment: Null variant in a gene where loss of function (LOF) is a known mechanism of disease.;Absent from controls (or at extremely low frequency if recessive) in Genome Aggregation Database.

Literature cited by the submitters: PubMed 14722525 (cited by Labcorp Genetics (formerly Invitae), Labcorp); PubMed 19776401 (cited by Labcorp Genetics (formerly Invitae), Labcorp); PubMed 33481921 (cited by Labcorp Genetics (formerly Invitae), Labcorp).